The following is an entry in ClinVar:

NM_000642.3(AGL):c.341G>C (p.Arg114Pro)

Gene: AGL (amylo-alpha-1,6-glucosidase and 4-alpha-glucanotransferase; plus strand). Cytogenetic location: 1p21.2.
Variant type: single nucleotide variant.
Coding change: c.341G>C on transcript NM_000642.3 (MANE Select); coding-DNA position 341, G replaced by C.
Protein change: p.Arg114Pro; replaces arginine 114 with proline.
Molecular consequence: missense variant.
Genome position (GRCh38, 1-based): chr1:99,862,304, G>C. VCF-style: chr1-99862304-G-C. GRCh37 (hg19) VCF-style: chr1-100327860-G-C.
Other names: c.341G>C, p.Arg114Pro (NM_000028.3, NM_000643.3, NM_000644.3 and 5 more transcripts); c.293G>C, p.Arg98Pro (NM_000646.3); short protein forms R114P, R98P.
Identifiers: ClinVar variation 456489 (VCV000456489.4), dbSNP rs150146360, ClinGen allele CA966140.

ClinVar aggregate classification (germline): Uncertain significance (1 of 4 stars; one submission).

Conditions:
Glycogen storage disease type III (GSD3). Also called: FORBES DISEASE; Cori disease. Identifiers: Orphanet 366, MedGen C0017922, MONDO:0009291, OMIM 232400.

gnomAD v4.1: 2 of 1,613,982 alleles (0.00012%); highest among the groups gnomAD compares: African/African-American, 0.0013%; no homozygotes.

Submission:

Labcorp Genetics (formerly Invitae), Labcorp
Classification: Uncertain significance for Glycogen storage disease type III. Last evaluated: 2017-05-22. Review status: criteria provided, single submitter. Criteria: Invitae Variant Classification Sherloc (09022015). Collection method: clinical testing. Allele origin: germline.
Comment: In summary, this variant has uncertain impact on AGL function. The available evidence is currently insufficient to determine its role in disease. Therefore, it has been classified as a Variant of Uncertain Significance. Algorithms developed to predict the effect of missense changes on protein structure and function (SIFT, PolyPhen-2, Align-GVGD) all suggest that this variant is likely to be tolerated, but these predictions have not been confirmed by published functional studies and their clinical significance is uncertain. This variant has not been reported in the literature in individuals with a AGL-related disease. This variant is present in population databases (rs150146360, ExAC 0.01%). This sequence change replaces arginine with proline at codon 114 of the AGL protein (p.Arg114Pro). The arginine residue is weakly conserved and there is a moderate physicochemical difference between arginine and proline.